The following is an entry in ClinVar:

ClinVar aggregate classification (germline): Uncertain significance (1 of 4 stars; one submission).

Submission:

GeneDx
Classification: Uncertain significance. Last evaluated: 2023-12-16. Review status: criteria provided, single submitter. Criteria: GeneDx Variant Classification Process June 2021. Collection method: clinical testing. Allele origin: germline. Affected: yes.
Comment: Not observed at significant frequency in large population cohorts (gnomAD); In silico analysis supports that this missense variant has a deleterious effect on protein structure/function; Has not been previously published as pathogenic or benign to our knowledge

NM_000552.5(VWF):c.7937C>G (p.Pro2646Arg)

Gene: VWF (von Willebrand factor; minus strand). Cytogenetic location: 12p13.31.
Variant type: single nucleotide variant.
Coding change: c.7937C>G on transcript NM_000552.5 (MANE Select); coding-DNA position 7937, C replaced by G.
Protein change: p.Pro2646Arg; replaces proline 2646 with arginine.
Molecular consequence: missense variant.
Genome position (GRCh38, 1-based): chr12:5,953,545, G>C on the plus strand (C>G on the coding strand, the complement: VWF is on the minus strand). VCF-style: chr12-5953545-G-C. GRCh37 (hg19) VCF-style: chr12-6062711-G-C.
Other names: short protein forms P2646R.
Identifiers: ClinVar variation 3365925 (VCV003365925.1).